The following is an entry in ClinVar:

ClinVar aggregate classification (germline): Pathogenic/Likely pathogenic. Review status: criteria provided, multiple submitters, no conflicts (2 of 4 stars). 3 submissions from 3 submitters: Pathogenic (2); Likely pathogenic (1). Last evaluated 2025-09-02.

Conditions:
Congenital disorder of deglycosylation 1. Also called: NGLY1-deficiency; NGLY1-Related Congenital Disorder of Deglycosylation. Identifiers: Orphanet 404454, MedGen CN306977, MONDO:0800044, OMIM 615273.
Congenital disorder of deglycosylation (CDDG). Identifiers: MedGen C3808991, MONDO:0031376.

Allele frequency attached by ClinVar (database versions not stated): gnomAD exomes below 0.00001; TOPMed below 0.00001; ExAC 0.00001.

Submissions (3):

Labcorp Genetics (formerly Invitae), Labcorp
Classification: Pathogenic for Congenital disorder of deglycosylation. Last evaluated: 2025-09-02. Review status: criteria provided, single submitter. Criteria: Invitae Variant Classification Sherloc (09022015). Collection method: clinical testing. Allele origin: germline.
Comment: This sequence change creates a premature translational stop signal (p.Arg291*) in the NGLY1 gene. It is expected to result in an absent or disrupted protein product. Loss-of-function variants in NGLY1 are known to be pathogenic (PMID: 24651605). This variant is present in population databases (rs772994617, gnomAD 0.006%). This variant has not been reported in the literature in individuals affected with NGLY1-related conditions. ClinVar contains an entry for this variant (Variation ID: 474235). For these reasons, this variant has been classified as Pathogenic.

Fulgent Genetics
Classification: Pathogenic for Congenital disorder of deglycosylation 1. Last evaluated: 2024-04-09. Review status: criteria provided, single submitter. Criteria: ACMG Guidelines, 2015. Collection method: clinical testing. Allele origin: germline.

GeneDx
Classification: Likely pathogenic. Last evaluated: 2019-03-22. Review status: criteria provided, single submitter. Criteria: GeneDx Variant Classification (06012015). Collection method: clinical testing. Allele origin: germline. Affected: yes.
Comment: A variant that is likely pathogenic has been identified in the NGLY1 gene. The R291X variant has not been published as a pathogenic variant, nor has it been reported as a benign variant to our knowledge. The R291X variant is not observed at a significant frequency in large population cohorts (Lek et al., 2016). The R291X nonsense variant is predicted to cause loss of normal protein function either through protein truncation or nonsense-mediated mRNA decay. Therefore, this variant is likely pathogenic; however, the possibility that it is benign cannot be excluded.

Literature cited by the submitters: PubMed 24651605 (cited by Labcorp Genetics (formerly Invitae), Labcorp).

NM_018297.4(NGLY1):c.871C>T (p.Arg291Ter)

Gene: NGLY1 (N-glycanase 1; minus strand). Cytogenetic location: 3p24.2.
Variant type: single nucleotide variant.
Coding change: c.871C>T on transcript NM_018297.4 (MANE Select); coding-DNA position 871, C replaced by T.
Protein change: p.Arg291Ter; replaces arginine 291 with a stop codon.
Molecular consequence: nonsense.
Genome position (GRCh38, 1-based): chr3:25,739,587, G>A on the plus strand (C>T on the coding strand, the complement: NGLY1 is on the minus strand). VCF-style: chr3-25739587-G-A. GRCh37 (hg19) VCF-style: chr3-25781078-G-A.
Other names: c.871C>T, p.Arg291Ter (NM_001145293.2, NM_001145295.2); c.745C>T, p.Arg249Ter (NM_001145294.2); short protein forms R249*, R291*.
Identifiers: ClinVar variation 474235 (VCV000474235.10), dbSNP rs772994617, ClinGen allele CA2289368.